The following is an entry in ClinVar:

ClinVar aggregate classification (germline): Benign. Review status: criteria provided, multiple submitters, no conflicts (2 of 4 stars). 3 submissions from 3 submitters: Benign (3). Last evaluated 2021-07-01.

Conditions:
Usher syndrome type 1F (USH1F). Also called: USHER SYNDROME, TYPE IF. Identifiers: Orphanet 231169, Orphanet 886, MedGen C1865885, MONDO:0011186, OMIM 602083.

Allele frequency attached by ClinVar (database versions not stated): 1000 Genomes Project 0.56090; 1000 Genomes Project 30x 0.57495; gnomAD exomes 0.64570; TOPMed 0.69841; gnomAD 0.69404 and 0.71010.
gnomAD v4.1: 522,662 of 797,234 alleles (66%); highest among the groups gnomAD compares: African/African-American, 78%; 179,095 homozygotes.

Submissions (3):

Genome-Nilou Lab
Classification: Benign for Usher syndrome type 1F. Last evaluated: 2021-07-01. Review status: criteria provided, single submitter. Criteria: ACMG Guidelines, 2015. Collection method: clinical testing. Allele origin: germline. Affected: no.

GeneDx
Classification: Benign. Last evaluated: 2018-06-14. Review status: criteria provided, single submitter. Criteria: GeneDx Variant Classification (06012015). Collection method: clinical testing. Allele origin: germline. Affected: yes.
Comment: This variant is considered likely benign or benign based on one or more of the following criteria: it is a conservative change, it occurs at a poorly conserved position in the protein, it is predicted to be benign by multiple in silico algorithms, and/or has population frequency not consistent with disease.

Breakthrough Genomics
Classification: Benign. Review status: criteria provided, single submitter. Criteria: ACMG Guidelines, 2015. Collection method: not provided. Allele origin: germline. Inheritance: Autosomal recessive inheritance. Affected: yes.

NM_001384140.1(PCDH15):c.986-81C>T

Gene: PCDH15 (protocadherin related 15; minus strand). Cytogenetic location: 10q21.1.
Variant type: single nucleotide variant.
Coding change: c.986-81C>T on transcript NM_001384140.1 (MANE Select); 81 bases into the intron before coding-DNA position 986, C replaced by T.
Molecular consequence: intron variant.
Genome position (GRCh38, 1-based): chr10:54,214,129, G>A on the plus strand (C>T on the coding strand, the complement: PCDH15 is on the minus strand). VCF-style: chr10-54214129-G-A. GRCh37 (hg19) VCF-style: chr10-55973889-G-A.
Other names: c.986-81C>T (NM_001354420.2, NM_001354429.2, NM_001142772.2 and 7 more transcripts); c.1001-81C>T (NM_001142771.2, NM_001142769.3, NM_001142763.2); c.920-81C>T (NM_001354404.2, NM_001142773.2, NM_001142768.2); c.875-81C>T (NM_001142767.2).
Identifiers: ClinVar variation 670388 (VCV000670388.5), dbSNP rs10763086, ClinGen allele CA207245219.